The following is an entry in ClinVar:

NM_006939.4(SOS2):c.3778A>G (p.Ser1260Gly)

Gene: SOS2 (SOS Ras/Rho guanine nucleotide exchange factor 2; minus strand). Cytogenetic location: 14q21.3.
Variant type: single nucleotide variant.
Coding change: c.3778A>G on transcript NM_006939.4 (MANE Select); coding-DNA position 3778, A replaced by G.
Protein change: p.Ser1260Gly; replaces serine 1260 with glycine.
Molecular consequence: missense variant.
Genome position (GRCh38, 1-based): chr14:50,118,565, T>C on the plus strand (A>G on the coding strand, the complement: SOS2 is on the minus strand). VCF-style: chr14-50118565-T-C. GRCh37 (hg19) VCF-style: chr14-50585283-T-C.
Other names: c.3679A>G, p.Ser1227Gly (NM_001411020.1); short protein forms S1227G, S1260G.
Identifiers: ClinVar variation 3321557 (VCV003321557.1).
Genomic context (GRCh38, chr14:50,118,565, plus strand): 5'-TAGAACTGAGCACATAGCATCGACGCGGTACCCTTGGAGAGGGTGTGCTAGGAGGAGTGC[T>C]TGGCGAATTTGGACACGTACTAATGTCTCTGAGCCAGTCTGAATCTCTGTGAAGATGCCC-3'
Protein context (NP_008870.2, residues 1250-1270): RDISTCPNSP[Ser1260Gly]TPPSTPSPRV

ClinVar aggregate classification (germline): Uncertain significance (1 of 4 stars; one submission).

Conditions:
Cardiovascular phenotype. Identifiers: MedGen CN230736.

gnomAD v4.1: 7 of 1,614,176 alleles (0.00043%); highest among the groups gnomAD compares: Non-Finnish European, 0.00059%; no homozygotes.

Submission:

Ambry Genetics
Classification: Uncertain significance for Cardiovascular phenotype. Last evaluated: 2024-04-25. Review status: criteria provided, single submitter. Criteria: Ambry Variant Classification Scheme 2023. Collection method: clinical testing. Allele origin: germline.
Comment: The p.S1260G variant (also known as c.3778A>G), located in coding exon 23 of the SOS2 gene, results from an A to G substitution at nucleotide position 3778. The serine at codon 1260 is replaced by glycine, an amino acid with similar properties. This amino acid position is conserved. In addition, this alteration is predicted to be tolerated by in silico analysis. Based on the available evidence, the clinical significance of this variant remains unclear.